The following is an entry in ClinVar:

NM_022089.4(ATP13A2):c.2325C>T (p.Ile775=)

Gene: ATP13A2 (ATPase cation transporting 13A2; minus strand). Cytogenetic location: 1p36.13.
Variant type: single nucleotide variant.
Coding change: c.2325C>T on transcript NM_022089.4 (MANE Select); coding-DNA position 2325, C replaced by T.
Protein change: p.Ile775=; no amino-acid change (isoleucine 775 retained).
Molecular consequence: synonymous variant.
Genome position (GRCh38, 1-based): chr1:16,990,214, G>A on the plus strand (C>T on the coding strand, the complement: ATP13A2 is on the minus strand). VCF-style: chr1-16990214-G-A. GRCh37 (hg19) VCF-style: chr1-17316709-G-A.
Other names: c.2310C>T, p.Ile770= (NM_001141973.3, NM_001141974.3).
Identifiers: ClinVar variation 2061096 (VCV002061096.11), dbSNP rs148374514, ClinGen allele CA636880.

ClinVar aggregate classification (germline): Likely benign. Review status: criteria provided, multiple submitters, no conflicts (2 of 4 stars). 3 submissions from 3 submitters: Likely benign (3). Last evaluated 2026-01-20.

Conditions:
Kufor-Rakeb syndrome (KRS). Also called: PARKINSON DISEASE 9, AUTOSOMAL RECESSIVE, JUVENILE-ONSET. Identifiers: Orphanet 306674, Orphanet 314632, MedGen C1847640, MONDO:0011706, OMIM 606693.
Autosomal recessive spastic paraplegia type 78. Identifiers: Orphanet 513436, MedGen C5567893, MONDO:0014975, OMIM 617225.

Allele frequency attached by ClinVar (database versions not stated): ESP Exome Variant Server 0.00008; TOPMed 0.00011.
gnomAD v4.1: 34 of 1,613,868 alleles (0.0021%); highest among the groups gnomAD compares: African/African-American, 0.02%; no homozygotes.

Submissions (3):

Labcorp Genetics (formerly Invitae), Labcorp
Classification: Likely benign for Kufor-Rakeb syndrome; Autosomal recessive spastic paraplegia type 78. Last evaluated: 2026-01-20. Review status: criteria provided, single submitter. Criteria: Invitae Variant Classification Sherloc (09022015). Collection method: clinical testing. Allele origin: germline.

CeGaT Center for Human Genetics Tuebingen
Classification: Likely benign. Last evaluated: 2025-11-01. Review status: criteria provided, single submitter. Criteria: CeGaT Center For Human Genetics Tuebingen Variant Classification Criteria Version 2. Collection method: clinical testing. Allele origin: germline. Affected: yes. Observed: 1 variant allele.
Comment: ATP13A2: BP4, BP7

Blueprint Genetics
Classification: Likely benign. Last evaluated: 2023-06-05. Review status: criteria provided, single submitter. Criteria: ACMG Guidelines, 2015. Collection method: clinical testing. Allele origin: germline.